The following is an entry in ClinVar:

NM_032776.3(JMJD1C):c.6851G>A (p.Ser2284Asn)

Gene: JMJD1C (jumonji domain containing 1C; minus strand). Cytogenetic location: 10q21.3.
Variant type: single nucleotide variant.
Coding change: c.6851G>A on transcript NM_032776.3 (MANE Select); coding-DNA position 6851, G replaced by A.
Protein change: p.Ser2284Asn; replaces serine 2284 with asparagine.
Molecular consequence: missense variant. On other transcripts: non-coding transcript variant (1).
Genome position (GRCh38, 1-based): chr10:63,184,718, C>T on the plus strand (G>A on the coding strand, the complement: JMJD1C is on the minus strand). VCF-style: chr10-63184718-C-T. GRCh37 (hg19) VCF-style: chr10-64944478-C-T.
Other names: c.6305G>A, p.Ser2102Asn (NM_001282948.2, NM_001318154.2); c.5987G>A, p.Ser1996Asn (NM_001318153.2); c.6737G>A, p.Ser2246Asn (NM_001322252.2); c.6194G>A, p.Ser2065Asn (NM_001322254.2, NM_001322258.2); c.6851G>A (NM_032776.1); short protein forms S1996N, S2065N, S2102N, S2246N, S2284N.
Identifiers: ClinVar variation 1062419 (VCV001062419.11), dbSNP rs375772458, ClinGen allele CA5517773.

ClinVar aggregate classification (germline): Uncertain significance. Review status: criteria provided, multiple submitters, no conflicts (2 of 4 stars). 2 submissions from 2 submitters: Uncertain significance (2). Last evaluated 2025-01-15.

Conditions:
Early Myoclonic Encephalopathy. Identifiers: MedGen C0270855.

Allele frequency attached by ClinVar (database versions not stated): gnomAD exomes 0.00001; gnomAD 0.00001; ESP Exome Variant Server 0.00017; ExAC 0.00001; TOPMed 0.00002.
gnomAD v4.1: 17 of 1,609,354 alleles (0.0011%); highest among the groups gnomAD compares: Non-Finnish European, 0.0014%; no homozygotes.

Submissions (2):

Ambry Genetics
Classification: Uncertain significance. Last evaluated: 2025-01-15. Review status: criteria provided, single submitter. Criteria: Ambry Variant Classification Scheme 2023. Collection method: clinical testing. Allele origin: germline.

Labcorp Genetics (formerly Invitae), Labcorp
Classification: Uncertain significance for Early Myoclonic Encephalopathy. Last evaluated: 2023-08-24. Review status: criteria provided, single submitter. Criteria: Invitae Variant Classification Sherloc (09022015). Collection method: clinical testing. Allele origin: germline.
Comment: In summary, the available evidence is currently insufficient to determine the role of this variant in disease. Therefore, it has been classified as a Variant of Uncertain Significance. Advanced modeling of protein sequence and biophysical properties (such as structural, functional, and spatial information, amino acid conservation, physicochemical variation, residue mobility, and thermodynamic stability) performed at Invitae indicates that this missense variant is not expected to disrupt JMJD1C protein function. ClinVar contains an entry for this variant (Variation ID: 1062419). This variant has not been reported in the literature in individuals affected with JMJD1C-related conditions. This variant is present in population databases (rs375772458, gnomAD 0.002%). This sequence change replaces serine, which is neutral and polar, with asparagine, which is neutral and polar, at codon 2284 of the JMJD1C protein (p.Ser2284Asn).